The following is an entry in ClinVar:

NM_005733.3(KIF20A):c.2618T>C (p.Leu873Pro)

Gene: KIF20A (kinesin family member 20A; plus strand). Cytogenetic location: 5q31.2.
Variant type: single nucleotide variant.
Coding change: c.2618T>C on transcript NM_005733.3 (MANE Select); coding-DNA position 2618, T replaced by C.
Protein change: p.Leu873Pro; replaces leucine 873 with proline.
Molecular consequence: missense variant.
Genome position (GRCh38, 1-based): chr5:138,187,358, T>C. VCF-style: chr5-138187358-T-C. GRCh37 (hg19) VCF-style: chr5-137523047-T-C.
Other names: short protein forms L873P.
Identifiers: ClinVar variation 3712203 (VCV003712203.2).

ClinVar aggregate classification (germline): Uncertain significance (1 of 4 stars; one submission).

gnomAD v4.1: 4 of 1,614,056 alleles (0.00025%); highest among the groups gnomAD compares: Non-Finnish European, 0.00034%; no homozygotes.

Submission:

Labcorp Genetics (formerly Invitae), Labcorp
Classification: Uncertain significance. Last evaluated: 2024-12-10. Review status: criteria provided, single submitter. Criteria: Invitae Variant Classification Sherloc (09022015). Collection method: clinical testing. Allele origin: germline.
Comment: This sequence change replaces leucine, which is neutral and non-polar, with proline, which is neutral and non-polar, at codon 873 of the KIF20A protein (p.Leu873Pro). This variant is present in population databases (rs775389346, gnomAD 0.0009%). This variant has not been reported in the literature in individuals affected with KIF20A-related conditions. An algorithm developed to predict the effect of missense changes on protein structure and function (PolyPhen-2) suggests that this variant is likely to be disruptive. In summary, the available evidence is currently insufficient to determine the role of this variant in disease. Therefore, it has been classified as a Variant of Uncertain Significance.